The following is an entry in ClinVar:

NM_000329.3(RPE65):c.1456G>A (p.Val486Ile)

Gene: RPE65 (retinoid isomerohydrolase RPE65; minus strand). Cytogenetic location: 1p31.3.
Variant type: single nucleotide variant.
Coding change: c.1456G>A on transcript NM_000329.3 (MANE Select); coding-DNA position 1456, G replaced by A.
Protein change: p.Val486Ile; replaces valine 486 with isoleucine.
Molecular consequence: missense variant.
Genome position (GRCh38, 1-based): chr1:68,429,922, C>T on the plus strand (G>A on the coding strand, the complement: RPE65 is on the minus strand). VCF-style: chr1-68429922-C-T. GRCh37 (hg19) VCF-style: chr1-68895605-C-T.
Other names: c.1348G>A, p.Val450Ile (NM_001406853.1); c.1180G>A, p.Val394Ile (NM_001406856.1, NM_001406857.1); short protein forms V394I, V450I, V486I.
Identifiers: ClinVar variation 2027835 (VCV002027835.4), dbSNP rs2100805317, ClinGen allele CA340741513.

ClinVar aggregate classification (germline): Uncertain significance. Review status: criteria provided, multiple submitters, no conflicts (2 of 4 stars). 2 submissions from 2 submitters: Uncertain significance (2). Last evaluated 2023-01-20.

Conditions:
Leber congenital amaurosis 2 (LCA2). Also called: Autosomal Recessive RPE65-Related Retinal Degeneration; AMAUROSIS CONGENITA OF LEBER II. Identifiers: Orphanet 65, MedGen C1859844, MONDO:0008765, OMIM 204100. Disease mechanism: loss of function.
Retinitis pigmentosa 20 (RP20). Identifiers: Orphanet 791, MedGen C3151086, MONDO:0013425, OMIM 613794.

Allele frequency attached by ClinVar (database versions not stated): gnomAD exomes below 0.00001.
gnomAD v4.1: 1 of 1,613,726 alleles (0.000062%); highest among the groups gnomAD compares: Non-Finnish European, 0.000085%; no homozygotes.

Submissions (2):

Revvity Omics, Revvity
Classification: Uncertain significance. Last evaluated: 2023-01-20. Review status: criteria provided, single submitter. Criteria: ACMG Guidelines, 2015. Collection method: clinical testing. Allele origin: germline.

Labcorp Genetics (formerly Invitae), Labcorp
Classification: Uncertain significance for Leber congenital amaurosis 2; Retinitis pigmentosa 20. Last evaluated: 2022-01-27. Review status: criteria provided, single submitter. Criteria: Invitae Variant Classification Sherloc (09022015). Collection method: clinical testing. Allele origin: germline.
Comment: This sequence change replaces valine, which is neutral and non-polar, with isoleucine, which is neutral and non-polar, at codon 486 of the RPE65 protein (p.Val486Ile). This variant is not present in population databases (gnomAD no frequency). This variant has not been reported in the literature in individuals affected with RPE65-related conditions. Algorithms developed to predict the effect of missense changes on protein structure and function output the following: SIFT: "Tolerated"; PolyPhen-2: "Benign"; Align-GVGD: "Class C0". The isoleucine amino acid residue is found in multiple mammalian species, which suggests that this missense change does not adversely affect protein function. In summary, the available evidence is currently insufficient to determine the role of this variant in disease. Therefore, it has been classified as a Variant of Uncertain Significance.